The following is an entry in ClinVar:

ClinVar aggregate classification (germline): Likely benign (1 of 4 stars; one submission).

Submission:

Mayo Clinic Laboratories, Mayo Clinic
Classification: Likely benign. Last evaluated: 2025-09-29. Review status: criteria provided, single submitter. Criteria: ACMG Guidelines, 2015. Collection method: clinical testing. Allele origin: germline. Observed: 2 variant alleles.
Comment: BP4, BP7, PM2_supporting

NM_001129820.2(SLFN14):c.2091G>T (p.Gly697=)

Gene: SLFN14 (schlafen family member 14; minus strand). Cytogenetic location: 17q12.
Variant type: single nucleotide variant.
Coding change: c.2091G>T on transcript NM_001129820.2 (MANE Select); coding-DNA position 2091, G replaced by T.
Protein change: p.Gly697=; no amino-acid change (glycine 697 retained).
Molecular consequence: synonymous variant.
Genome position (GRCh38, 1-based): chr17:35,548,887, C>A on the plus strand (G>T on the coding strand, the complement: SLFN14 is on the minus strand). VCF-style: chr17-35548887-C-A. GRCh37 (hg19) VCF-style: chr17-33875906-C-A.
Other names: p.Gly697=.
Identifiers: ClinVar variation 4684196 (VCV004684196.1).